The following is an entry in ClinVar:

NM_022489.4(INF2):c.3223C>T (p.Arg1075Cys)

Gene: INF2 (inverted formin 2; plus strand). Cytogenetic location: 14q32.33.
Variant type: single nucleotide variant.
Coding change: c.3223C>T on transcript NM_022489.4 (MANE Select); coding-DNA position 3223, C replaced by T.
Protein change: p.Arg1075Cys; replaces arginine 1075 with cysteine.
Molecular consequence: missense variant.
Genome position (GRCh38, 1-based): chr14:104,714,385, C>T. VCF-style: chr14-104714385-C-T. GRCh37 (hg19) VCF-style: chr14-105180722-C-T.
Other names: c.3223C>T, p.Arg1075Cys (NM_001031714.4); short protein forms R1075C.
Identifiers: ClinVar variation 1414394 (VCV001414394.9), dbSNP rs376685243, ClinGen allele CA267330594.

ClinVar aggregate classification (germline): Uncertain significance. Review status: criteria provided, multiple submitters, no conflicts (2 of 4 stars). 3 submissions from 3 submitters: Uncertain significance (3). Last evaluated 2024-01-04.

Conditions:
Inborn genetic diseases. Identifiers: MedGen C0950123, MeSH D030342.
Focal segmental glomerulosclerosis 5 (FSGS5). Identifiers: Orphanet 656, MedGen C2750475, MONDO:0013191, OMIM 613237.
Charcot-Marie-Tooth disease dominant intermediate E. Also called: CHARCOT-MARIE-TOOTH NEUROPATHY WITH FOCAL SEGMENTAL GLOMERULONEPHRITIS. Identifiers: Orphanet 93114, MedGen C4302667, MONDO:0013758, OMIM 614455.

Allele frequency attached by ClinVar (database versions not stated): TOPMed below 0.00001; gnomAD 0.00003.
gnomAD v4.1: 18 of 1,600,790 alleles (0.0011%); highest among the groups gnomAD compares: Middle Eastern, 0.066%; no homozygotes.

Submissions (3):

Labcorp Genetics (formerly Invitae), Labcorp
Classification: Uncertain significance for Charcot-Marie-Tooth disease dominant intermediate E; Focal segmental glomerulosclerosis 5. Last evaluated: 2024-01-04. Review status: criteria provided, single submitter. Criteria: Invitae Variant Classification Sherloc (09022015). Collection method: clinical testing. Allele origin: germline.
Comment: This sequence change replaces arginine, which is basic and polar, with cysteine, which is neutral and slightly polar, at codon 1075 of the INF2 protein (p.Arg1075Cys). This variant is present in population databases (rs376685243, gnomAD 0.0009%). This variant has not been reported in the literature in individuals affected with INF2-related conditions. ClinVar contains an entry for this variant (Variation ID: 1414394). Advanced modeling of protein sequence and biophysical properties (such as structural, functional, and spatial information, amino acid conservation, physicochemical variation, residue mobility, and thermodynamic stability) performed at Invitae indicates that this missense variant is not expected to disrupt INF2 protein function with a negative predictive value of 95%. In summary, the available evidence is currently insufficient to determine the role of this variant in disease. Therefore, it has been classified as a Variant of Uncertain Significance.

Blueprint Genetics
Classification: Uncertain significance. Last evaluated: 2022-12-23. Review status: criteria provided, single submitter. Criteria: ACMG Guidelines, 2015. Collection method: clinical testing. Allele origin: germline.

Ambry Genetics
Classification: Uncertain significance for Inborn genetic diseases. Last evaluated: 2021-07-12. Review status: criteria provided, single submitter. Criteria: Ambry Variant Classification Scheme 2023. Collection method: clinical testing. Allele origin: germline.
Comment: The p.R1075C variant (also known as c.3223C>T), located in coding exon 20 of the INF2 gene, results from a C to T substitution at nucleotide position 3223. The arginine at codon 1075 is replaced by cysteine, an amino acid with highly dissimilar properties. This amino acid position is conserved. In addition, the in silico prediction for this alteration is inconclusive. Since supporting evidence is limited at this time, the clinical significance of this alteration remains unclear.